The following is an entry in ClinVar:

NM_002230.4(JUP):c.1759C>T (p.Pro587Ser)

Gene: JUP (junction plakoglobin; minus strand). Cytogenetic location: 17q21.2.
Variant type: single nucleotide variant.
Coding change: c.1759C>T on transcript NM_002230.4 (MANE Select); coding-DNA position 1759, C replaced by T.
Protein change: p.Pro587Ser; replaces proline 587 with serine.
Molecular consequence: missense variant.
Genome position (GRCh38, 1-based): chr17:41,758,413, G>A on the plus strand (C>T on the coding strand, the complement: JUP is on the minus strand). VCF-style: chr17-41758413-G-A. GRCh37 (hg19) VCF-style: chr17-39914665-G-A.
Other names: c.1759C>T, p.Pro587Ser (NM_001352773.2, NM_001352774.2, NM_001352775.2 and 3 more transcripts); short protein forms P587S.
Identifiers: ClinVar variation 2938903 (VCV002938903.3), dbSNP rs2544048524, ClinGen allele CA399492793.
Genomic context (GRCh38, chr17:41,758,413, plus strand): 5'-AAGCAGTGGTGGGGGGACCTCTCCTGCCCACCTGCCCCAGACTCACCTGCACAAACAGGG[G>A]AATGGTGTTGAGCCGGAAGATCTCCATGCGGTTCATGGGGTCCCGGGCGAGGATGTGCAG-3'
Protein context (NP_002221.1, residues 577-597): RMEIFRLNTI[Pro587Ser]LFVQLLYSSV

ClinVar aggregate classification (germline): Uncertain significance (1 of 4 stars; one submission).

Conditions:
Naxos disease (NXD). Also called: KERATOSIS PALMOPLANTARIS WITH ARRHYTHMOGENIC CARDIOMYOPATHY; MAL DE NAXOS; PALMOPLANTAR KERATODERMA WITH ARRHYTHMOGENIC RIGHT VENTRICULAR CARDIOMYOPATHY AND WOOLLY HAIR; WOOLLY HAIR, PALMOPLANTAR KERATODERMA, AND CARDIAC ABNORMALITIES; CARDIOMYOPATHY, ARRHYTHMOGENIC RIGHT VENTRICULAR, WITH SKIN, HAIR, AND NAIL ABNORMALITIES. Identifiers: Orphanet 34217, MedGen C1832600, MONDO:0011017, OMIM 601214.
Arrhythmogenic right ventricular dysplasia 12. Also called: ARRHYTHMOGENIC RIGHT VENTRICULAR DYSPLASIA, FAMILIAL, 12. Identifiers: MedGen C1969081, MONDO:0012684, OMIM 611528.

Allele frequency attached by ClinVar (database versions not stated): gnomAD exomes below 0.00001.
gnomAD v4.1: 2 of 1,613,384 alleles (0.00012%); highest among the groups gnomAD compares: Non-Finnish European, 0.00017%; no homozygotes.

Submission:

Labcorp Genetics (formerly Invitae), Labcorp
Classification: Uncertain significance for Arrhythmogenic right ventricular dysplasia 12; Naxos disease. Last evaluated: 2023-12-31. Review status: criteria provided, single submitter. Criteria: Invitae Variant Classification Sherloc (09022015). Collection method: clinical testing. Allele origin: germline.
Comment: This sequence change replaces proline, which is neutral and non-polar, with serine, which is neutral and polar, at codon 587 of the JUP protein (p.Pro587Ser). This variant is not present in population databases (gnomAD no frequency). This variant has not been reported in the literature in individuals affected with JUP-related conditions. An algorithm developed to predict the effect of missense changes on protein structure and function (PolyPhen-2) suggests that this variant is likely to be disruptive. In summary, the available evidence is currently insufficient to determine the role of this variant in disease. Therefore, it has been classified as a Variant of Uncertain Significance.